The following is an entry in ClinVar:

NM_001164586.2(IGFN1):c.6675T>C (p.Gly2225=)

Gene: IGFN1 (immunoglobulin like and fibronectin type III domain containing 1; plus strand). Cytogenetic location: 1q32.1.
Variant type: single nucleotide variant.
Coding change: c.6675T>C on transcript NM_001164586.2 (MANE Select); coding-DNA position 6675, T replaced by C.
Protein change: p.Gly2225=; no amino-acid change (glycine 2225 retained).
Molecular consequence: synonymous variant. On other transcripts: intron variant (1).
Genome position (GRCh38, 1-based): chr1:201,211,568, T>C. VCF-style: chr1-201211568-T-C. GRCh37 (hg19) VCF-style: chr1-201180696-T-C.
Other names: c.1242-1938T>C (NM_001367841.1).
Identifiers: ClinVar variation 2639766 (VCV002639766.24), dbSNP rs780740362, ClinGen allele CA1322800.
Genomic context (GRCh38, chr1:201,211,568, plus strand): 5'-AATGGGGTCAGTGAATAAGGCAGGTTATAGGAAGGATTTGGGGGCTCCTAAGGGAATGGG[T>C]TCAGGGAGTAAGGCAGGTTTCAGGGATGGTTTAGGGAGTTCTGGGGAAATGGGGTCAATG-3'
Protein context (NP_001158058.1, residues 2215-2235): RKDLGAPKGM[Gly2225=]SGSKAGFRDG

ClinVar aggregate classification (germline): Likely benign (1 of 4 stars; one submission).

Allele frequency attached by ClinVar (database versions not stated): TOPMed 0.00001; ExAC 0.00011.
gnomAD v4.1: 19 of 1,533,614 alleles (0.0012%); highest among the groups gnomAD compares: Non-Finnish European, 0.00087%; no homozygotes.

Submission:

CeGaT Center for Human Genetics Tuebingen
Classification: Likely benign. Last evaluated: 2023-02-01. Review status: criteria provided, single submitter. Criteria: CeGaT Center For Human Genetics Tuebingen Variant Classification Criteria Version 2. Collection method: clinical testing. Allele origin: germline. Affected: yes. Observed: 1 variant allele.
Comment: IGFN1: BP4, BP7